The following is an entry in ClinVar:

NM_000138.5(FBN1):c.8227-4C>T

Gene: FBN1 (fibrillin 1; minus strand). Cytogenetic location: 15q21.1.
Variant type: single nucleotide variant.
Coding change: c.8227-4C>T on transcript NM_000138.5 (MANE Select); 4 bases into the intron before coding-DNA position 8227, C replaced by T.
Molecular consequence: intron variant.
Genome position (GRCh38, 1-based): chr15:48,411,383, G>A on the plus strand (C>T on the coding strand, the complement: FBN1 is on the minus strand). VCF-style: chr15-48411383-G-A. GRCh37 (hg19) VCF-style: chr15-48703580-G-A.
Other names: c.8227-4C>T (NM_001406716.1).
Identifiers: ClinVar variation 3073030 (VCV003073030.2), dbSNP rs2505371971, ClinGen allele CA2825002262.
Genomic context (GRCh38, chr15:48,411,383, plus strand): 5'-TGTCTTCTCAACATCCCAACTTGCAAGACTCACATTGGCTTCTGTCTCAGACTGATCCTG[G>A]AAAGACACATGGCAATATGTTAAATACAATGTACATATGCCACTTAGCTCTCATATTAAA-3'

ClinVar aggregate classification (germline): Benign/Likely benign. Review status: criteria provided, multiple submitters, no conflicts (2 of 4 stars). 2 submissions from 2 submitters: Benign (1); Likely benign (1). Last evaluated 2025-02-16.

Conditions:
Marfan syndrome (MFS). Also called: MARFAN SYNDROME, TYPE I; Marfan syndrome type 1; Marfan's syndrome; Marfan syndrome, classic; FBN1-Related Marfan Syndrome. Identifiers: Orphanet 284963, Orphanet 558, MedGen C0024796, MONDO:0007947, OMIM 154700.

Submissions (2):

Laboratory of Genetics, Children's Clinical University Hospital Latvia
Classification: Benign. Last evaluated: 2025-02-16. Review status: criteria provided, single submitter. Criteria: ACMG Guidelines, 2015. Collection method: clinical testing. Allele origin: germline. Affected: yes.

All of Us Research Program, National Institutes of Health
Classification: Likely benign for Marfan syndrome. Last evaluated: 2023-08-15. Review status: criteria provided, single submitter. Criteria: ACMG Guidelines, 2015. Collection method: clinical testing. Allele origin: germline. Inheritance: Autosomal dominant inheritance. Observed: 1 variant allele, 1 heterozygote.
Comment: This study involves interpretation of variants in research participants for the purpose of population health screening. Participant phenotype was not available at the time of variant classification. Additional details can be found in publication PMID: 35346344, PMCID: PMC8962531